The following is an entry in ClinVar:

NM_002691.4(POLD1):c.1243-7T>C

Gene: POLD1 (DNA polymerase delta 1, catalytic subunit; plus strand). Cytogenetic location: 19q13.33.
Variant type: single nucleotide variant.
Coding change: c.1243-7T>C on transcript NM_002691.4 (MANE Select); 7 bases into the intron before coding-DNA position 1243, T replaced by C.
Molecular consequence: intron variant.
Genome position (GRCh38, 1-based): chr19:50,406,175, T>C. VCF-style: chr19-50406175-T-C. GRCh37 (hg19) VCF-style: chr19-50909432-T-C.
Other names: c.1243-7T>C (LRG_785t2, NM_001256849.1, NM_001308632.1 and 1 more transcripts).
Identifiers: ClinVar variation 391076 (VCV000391076.13), dbSNP rs776969479, ClinGen allele CA9596092.
Genomic context (GRCh38, chr19:50,406,175, plus strand): 5'-TCTCCGTTCTTCAGGCTTATGTGACGGGGACCCGCAGCCTGCTGCACACCCTGCCTCTCC[T>C]CCTCAGGTACAAACATTCCCTTTCCTGGGCCGTGTGGCCGGCCTTTGCTCCAACATCCGG-3'

ClinVar aggregate classification (germline): Likely benign. Review status: criteria provided, multiple submitters, no conflicts (2 of 4 stars). 4 submissions from 4 submitters: Likely benign (4). Last evaluated 2025-06-27.

Conditions:
POLD1-related polyposis and colorectal cancer syndrome (CRCS10). Also called: Colorectal cancer, susceptibility to, 10; Colorectal cancer 10; COLORECTAL CANCER, SUSCEPTIBILITY TO, ON CHROMOSOME 19q. Identifiers: Orphanet 220460, MedGen C2675481, MONDO:0012953, OMIM 612591.

Allele frequency attached by ClinVar (database versions not stated): gnomAD exomes below 0.00001; TOPMed below 0.00001; ExAC 0.00001.
gnomAD v4.1: 2 of 1,611,176 alleles (0.00012%); highest among the groups gnomAD compares: Admixed American, 0.0033%; no homozygotes.

Submissions (4):

Labcorp Genetics (formerly Invitae), Labcorp
Classification: Likely benign for POLD1-related polyposis and colorectal cancer syndrome. Last evaluated: 2025-06-27. Review status: criteria provided, single submitter. Criteria: Invitae Variant Classification Sherloc (09022015). Collection method: clinical testing. Allele origin: germline.

Myriad Genetics, Inc.
Classification: Likely benign for POLD1-related polyposis and colorectal cancer syndrome. Last evaluated: 2025-02-06. Review status: criteria provided, single submitter. Criteria: Myriad Autosomal Dominant, Autosomal Recessive and X-Linked Classification Criteria (2023). Collection method: clinical testing. Allele origin: unknown.
Comment: This variant is considered likely benign. This variant is intronic and is not expected to impact mRNA splicing.

Quest Diagnostics Nichols Institute San Juan Capistrano
Classification: Likely benign. Last evaluated: 2022-09-14. Review status: criteria provided, single submitter. Criteria: Quest Diagnostics criteria. Collection method: clinical testing. Allele origin: unknown.

GeneDx
Classification: Likely benign. Last evaluated: 2016-11-16. Review status: criteria provided, single submitter. Criteria: GeneDx Variant Classification (06012015). Collection method: clinical testing. Allele origin: germline. Affected: yes.
Comment: This variant is considered likely benign or benign based on one or more of the following criteria: it is a conservative change, it occurs at a poorly conserved position in the protein, it is predicted to be benign by multiple in silico algorithms, and/or has population frequency not consistent with disease.